The following is an entry in ClinVar:

ClinVar aggregate classification (germline): Uncertain significance (1 of 4 stars; one submission).

Submission:

GeneDx
Classification: Uncertain significance. Last evaluated: 2024-01-17. Review status: criteria provided, single submitter. Criteria: GeneDx Variant Classification Process June 2021. Collection method: clinical testing. Allele origin: germline. Affected: yes.
Comment: Not observed at significant frequency in large population cohorts (gnomAD); In silico analysis supports that this missense variant does not alter protein structure/function; Has not been previously published as pathogenic or benign to our knowledge

NM_170606.3(KMT2C):c.5825C>G (p.Thr1942Arg)

Gene: KMT2C (lysine methyltransferase 2C; minus strand). Cytogenetic location: 7q36.1.
Variant type: single nucleotide variant.
Coding change: c.5825C>G on transcript NM_170606.3 (MANE Select); coding-DNA position 5825, C replaced by G.
Protein change: p.Thr1942Arg; replaces threonine 1942 with arginine.
Molecular consequence: missense variant.
Genome position (GRCh38, 1-based): chr7:152,182,035, G>C on the plus strand (C>G on the coding strand, the complement: KMT2C is on the minus strand). VCF-style: chr7-152182035-G-C. GRCh37 (hg19) VCF-style: chr7-151879120-G-C.
Other names: short protein forms T1942R.
Identifiers: ClinVar variation 3368082 (VCV003368082.1).
Genomic context (GRCh38, chr7:152,182,035, plus strand): 5'-GGGTCATTATTTGTCGTGGAAGAAGAACATAAATCTCTGACAGGGGATGGCCTATTTGCT[G>C]TTGTCTCATTCATTTGAAGGGGCCTAGATACCGATGATAAAGGTGTACAGTTTTCCACTG-3'
Protein context (NP_733751.2, residues 1932-1952): VSRPLQMNET[Thr1942Arg]ANRPSPVRDL